The following is an entry in ClinVar:

NM_000395.3(CSF2RB):c.2528G>A (p.Gly843Glu)

Gene: CSF2RB (colony stimulating factor 2 receptor subunit beta; plus strand). Cytogenetic location: 22q12.3.
Variant type: single nucleotide variant.
Coding change: c.2528G>A on transcript NM_000395.3 (MANE Select); coding-DNA position 2528, G replaced by A.
Protein change: p.Gly843Glu; replaces glycine 843 with glutamic acid.
Molecular consequence: missense variant.
Genome position (GRCh38, 1-based): chr22:36,938,336, G>A. VCF-style: chr22-36938336-G-A. GRCh37 (hg19) VCF-style: chr22-37334378-G-A.
Other names: c.2546G>A, p.Gly849Glu (NM_001410827.1); short protein forms G849E, G843E.
Identifiers: ClinVar variation 3679588 (VCV003679588.2).
Genomic context (GRCh38, chr22:36,938,336, plus strand): 5'-GCTTCCTCCCCGGCCTGGGGCCCGGCCCTCTCTCGCTCCGGAGTAAACCTTCTTCCCCGG[G>A]ACCCGGTCCTGAGATCAAGAACCTAGACCAGGCTTTTCAAGTCAAGAAGCCCCCAGGCCA-3'
Protein context (NP_000386.1, residues 833-853): LSLRSKPSSP[Gly843Glu]PGPEIKNLDQ

ClinVar aggregate classification (germline): Uncertain significance (1 of 4 stars; one submission).

gnomAD v4.1: 2 of 1,614,028 alleles (0.00012%); highest among the groups gnomAD compares: African/African-American, 0.0027%; no homozygotes.

Submission:

Labcorp Genetics (formerly Invitae), Labcorp
Classification: Uncertain significance. Last evaluated: 2024-04-30. Review status: criteria provided, single submitter. Criteria: Invitae Variant Classification Sherloc (09022015). Collection method: clinical testing. Allele origin: germline.
Comment: This sequence change replaces glycine, which is neutral and non-polar, with glutamic acid, which is acidic and polar, at codon 843 of the CSF2RB protein (p.Gly843Glu). This variant is not present in population databases (gnomAD no frequency). This variant has not been reported in the literature in individuals affected with CSF2RB-related conditions. Advanced modeling of protein sequence and biophysical properties (such as structural, functional, and spatial information, amino acid conservation, physicochemical variation, residue mobility, and thermodynamic stability) performed at Invitae indicates that this missense variant is not expected to disrupt CSF2RB protein function with a negative predictive value of 80%. In summary, the available evidence is currently insufficient to determine the role of this variant in disease. Therefore, it has been classified as a Variant of Uncertain Significance.